The following is an entry in ClinVar:

NM_001611.5(ACP5):c.846C>G (p.His282Gln)

Gene: ACP5 (acid phosphatase 5, tartrate resistant; minus strand). Cytogenetic location: 19p13.2.
Variant type: single nucleotide variant.
Coding change: c.846C>G on transcript NM_001611.5 (MANE Select); coding-DNA position 846, C replaced by G.
Protein change: p.His282Gln; replaces histidine 282 with glutamine.
Molecular consequence: missense variant.
Genome position (GRCh38, 1-based): chr19:11,575,142, G>C on the plus strand (C>G on the coding strand, the complement: ACP5 is on the minus strand). VCF-style: chr19-11575142-G-C. GRCh37 (hg19) VCF-style: chr19-11685957-G-C.
Other names: c.846C>G, p.His282Gln (LRG_1218t1, NM_001111034.3, NM_001111035.3 and 2 more transcripts); short protein forms H282Q.
Identifiers: ClinVar variation 656735 (VCV000656735.6), dbSNP rs749645391, ClinGen allele CA9215304.
Genomic context (GRCh38, chr19:11,575,142, plus strand): 5'-CATCTCTTTGGAGCTGATCTCCACATAGGCAAAGCCACCCAGTGAGTCTTCAGTCCCATA[G>C]TGGAAGCGCAGATAGCCGTTGGGGACCTTGCGCTGGTGCCGCTTTGAGGGGTCCATGAAA-3'
Protein context (NP_001602.1, residues 272-292): RKVPNGYLRF[His282Gln]YGTEDSLGGF

ClinVar aggregate classification (germline): Uncertain significance (1 of 4 stars; one submission).

Conditions:
Spondyloenchondrodysplasia with immune dysregulation (SPENCDI). Also called: COMBINED IMMUNODEFICIENCY WITH AUTOIMMUNITY AND SPONDYLOMETAPHYSEAL DYSPLASIA; ROIFMAN IMMUNOSKELETAL SYNDROME; SPONDYLOENCHONDRODYSPLASIA WITH OR WITHOUT IMMUNE DYSREGULATION. Identifiers: Orphanet 1855, MedGen C1842763, MONDO:0011939, OMIM 607944.

Allele frequency attached by ClinVar (database versions not stated): TOPMed below 0.00001; ExAC 0.00001; gnomAD exomes below 0.00001.
gnomAD v4.1: 1 of 1,614,240 alleles (0.000062%); highest among the groups gnomAD compares: Non-Finnish European, 0.000085%; no homozygotes.

Submission:

Labcorp Genetics (formerly Invitae), Labcorp
Classification: Uncertain significance for Spondyloenchondrodysplasia with immune dysregulation. Last evaluated: 2020-11-16. Review status: criteria provided, single submitter. Criteria: Invitae Variant Classification Sherloc (09022015). Collection method: clinical testing. Allele origin: germline.
Comment: In summary, the available evidence is currently insufficient to determine the role of this variant in disease. Therefore, it has been classified as a Variant of Uncertain Significance. This sequence change replaces histidine with glutamine at codon 282 of the ACP5 protein (p.His282Gln). The¬†histidine¬†residue is moderately conserved and there is a small physicochemical difference between¬†histidine¬†and¬†glutamine. This variant is present in population databases (rs749645391, ExAC 0.002%). This variant has not been reported in the literature in individuals with ACP5-related disease. Algorithms developed to predict the effect of missense changes on protein structure and function are either unavailable or do not agree on the potential impact of this missense change (SIFT: "Tolerated"; PolyPhen-2: "Possibly Damaging"; Align-GVGD: "Class C0").